The following is an entry in ClinVar:

NM_002860.4(ALDH18A1):c.2328G>C (p.Glu776Asp)

Gene: ALDH18A1 (aldehyde dehydrogenase 18 family member A1; minus strand). Cytogenetic location: 10q24.1.
Variant type: single nucleotide variant.
Coding change: c.2328G>C on transcript NM_002860.4 (MANE Select); coding-DNA position 2328, G replaced by C.
Protein change: p.Glu776Asp; replaces glutamic acid 776 with aspartic acid.
Molecular consequence: missense variant.
Genome position (GRCh38, 1-based): chr10:95,606,822, C>G on the plus strand (G>C on the coding strand, the complement: ALDH18A1 is on the minus strand). VCF-style: chr10-95606822-C-G. GRCh37 (hg19) VCF-style: chr10-97366579-C-G.
Other names: c.2322G>C, p.Glu774Asp (NM_001017423.2, NM_001323415.2); c.1995G>C, p.Glu665Asp (NM_001323412.2, NM_001323416.2); c.2328G>C, p.Glu776Asp (NM_001323413.2, NM_001323414.2); c.2223G>C, p.Glu741Asp (NM_001323417.2); c.1989G>C, p.Glu663Asp (NM_001323418.2); c.1692G>C, p.Glu564Asp (NM_001323419.2); short protein forms E564D, E663D, E665D, E741D, E774D, E776D.
Identifiers: ClinVar variation 1313870 (VCV001313870.2), dbSNP rs1047715712, ClinGen allele CA377698919.

ClinVar aggregate classification (germline): Uncertain significance (1 of 4 stars; one submission).

gnomAD v4.1: 1 of 1,614,208 alleles (0.000062%); no homozygotes.

Submission:

GeneDx
Classification: Uncertain significance. Last evaluated: 2021-01-07. Review status: criteria provided, single submitter. Criteria: GeneDx Variant Classification Process June 2021. Collection method: clinical testing. Allele origin: germline. Affected: yes.
Comment: Not observed in large population cohorts (Lek et al., 2016); In silico analysis supports that this missense variant does not alter protein structure/function; Has not been previously published as pathogenic or benign to our knowledge